The following is an entry in ClinVar:

ClinVar aggregate classification (germline): Pathogenic. Review status: criteria provided, multiple submitters, no conflicts (2 of 4 stars). 2 submissions from 2 submitters: Pathogenic (2). Last evaluated 2026-01-27.

Conditions:
Progressive muscular dystrophy. Identifiers: Orphanet 206644, MedGen C4551827, MONDO:0016106.
Duchenne muscular dystrophy (DMD). Also called: Duchenne Muscular Dystrophy (DMD); MUSCULAR DYSTROPHY, PSEUDOHYPERTROPHIC PROGRESSIVE, DUCHENNE TYPE. Identifiers: Orphanet 98896, MedGen C0013264, MONDO:0010679, OMIM 310200.

Submissions (2):

Myriad Genetics, Inc.
Classification: Pathogenic for Progressive muscular dystrophy. Last evaluated: 2026-01-27. Review status: criteria provided, single submitter. Criteria: Myriad Autosomal Dominant, Autosomal Recessive and X-Linked Classification Criteria (2023). Collection method: clinical testing. Allele origin: unknown.
Comment: NM_004006.2(DMD):c.5636G>A(W1879*) is a nonsense variant classified as pathogenic in the context of dystrophinopathy (including Duchenne/Becker muscular dystrophy). W1879* has been observed in a case with relevant disease (PMID: 39182149). Relevant functional assessments of this variant are not available in the literature. W1879* has not been observed in referenced population frequency databases. In summary, NM_004006.2(DMD):c.5636G>A(W1879*) is a nonsense variant in a gene where loss of function is a known mechanism of disease, is predicted to disrupt protein function, and has been observed more frequently in cases with the relevant disease than in healthy populations. Please note: this variant was assessed in the context of healthy population screening.

Mendelics
Classification: Pathogenic for Duchenne muscular dystrophy. Last evaluated: 2019-05-28. Review status: criteria provided, single submitter. Criteria: Mendelics Assertion Criteria 2017. Collection method: clinical testing. Allele origin: unknown.

Literature cited by the submitters: PubMed 39182149 (cited by Myriad Genetics, Inc.).

NM_004006.3(DMD):c.5636G>A (p.Trp1879Ter)

Gene: DMD (dystrophin; minus strand). Cytogenetic location: Xp21.1.
Variant type: single nucleotide variant.
Coding change: c.5636G>A on transcript NM_004006.3 (MANE Select); coding-DNA position 5636, G replaced by A.
Protein change: p.Trp1879Ter; replaces tryptophan 1879 with a stop codon.
Molecular consequence: nonsense.
Genome position (GRCh38, 1-based): chrX:32,343,237, C>T on the plus strand (G>A on the coding strand, the complement: DMD is on the minus strand). VCF-style: chrX-32343237-C-T. GRCh37 (hg19) VCF-style: chrX-32361354-C-T.
Other names: c.5612G>A, p.Trp1871Ter (NM_000109.4); c.5624G>A, p.Trp1875Ter (NM_004009.3); c.5267G>A, p.Trp1756Ter (NM_004010.3); c.1613G>A, p.Trp538Ter (NM_004011.4); c.1604G>A, p.Trp535Ter (NM_004012.4); short protein forms W1879*, W1756*, W1871*, W538*, W1875*, W535*.
Identifiers: ClinVar variation 803859 (VCV000803859.5), dbSNP rs1603631244, ClinGen allele CA412666164.
Genomic context (GRCh38, chrX:32,343,237, plus strand): 5'-TTTTTTTCAATGTCATCCAAGCATTTCAGGAGATCATCAGCCTGCCTCTTGTACTGATAC[C>T]ACTGATGAGAAATTTCTAGAGCCTTTTTTCTTCTTTGAGACCTCAAATCCTGTTCATGGT-3'